The following is an entry in ClinVar:

ClinVar aggregate classification (germline): Uncertain significance (1 of 4 stars; one submission).

gnomAD v4.1: 1 of 1,206,637 alleles (0.000083%); no homozygotes.

Submission:

GeneDx
Classification: Uncertain significance. Last evaluated: 2023-04-16. Review status: criteria provided, single submitter. Criteria: GeneDx Variant Classification Process June 2021. Collection method: clinical testing. Allele origin: germline. Affected: yes.
Comment: Not observed at significant frequency in large population cohorts (gnomAD); In silico analysis supports that this missense variant does not alter protein structure/function; Has not been previously published as pathogenic or benign to our knowledge

NM_015365.3(AMMECR1):c.613A>T (p.Met205Leu)

Gene: AMMECR1 (AMMECR nuclear protein 1; minus strand). Cytogenetic location: Xq23.
Variant type: single nucleotide variant.
Coding change: c.613A>T on transcript NM_015365.3 (MANE Select); coding-DNA position 613, A replaced by T.
Protein change: p.Met205Leu; replaces methionine 205 with leucine.
Molecular consequence: missense variant.
Genome position (GRCh38, 1-based): chrX:110,216,604, T>A on the plus strand (A>T on the coding strand, the complement: AMMECR1 is on the minus strand). VCF-style: chrX-110216604-T-A. GRCh37 (hg19) VCF-style: chrX-109459832-T-A.
Other names: c.502A>T, p.Met168Leu (NM_001025580.2); c.244A>T, p.Met82Leu (NM_001171689.2); short protein forms M168L, M205L, M82L.
Identifiers: ClinVar variation 3252717 (VCV003252717.1), dbSNP rs201052711.